The following is an entry in ClinVar:

ClinVar aggregate classification (germline): Likely benign. Review status: criteria provided, multiple submitters, no conflicts (2 of 4 stars). 3 submissions from 3 submitters: Likely benign (3). Last evaluated 2025-12-24.

Allele frequency attached by ClinVar (database versions not stated): 1000 Genomes Project 30x 0.00016; 1000 Genomes Project 0.00020; ExAC 0.00021; gnomAD 0.00021; TOPMed 0.00029; ESP Exome Variant Server 0.00031; gnomAD exomes 0.00059.
gnomAD v4.1: 878 of 1,614,196 alleles (0.054%); highest among the groups gnomAD compares: Non-Finnish European, 0.069%; 1 homozygote.

Submissions (3):

Labcorp Genetics (formerly Invitae), Labcorp
Classification: Likely benign. Last evaluated: 2025-12-24. Review status: criteria provided, single submitter. Criteria: Invitae Variant Classification Sherloc (09022015). Collection method: clinical testing. Allele origin: germline.

Mayo Clinic Laboratories, Mayo Clinic
Classification: Likely benign. Last evaluated: 2024-12-03. Review status: criteria provided, single submitter. Criteria: ACMG Guidelines, 2015. Collection method: clinical testing. Allele origin: germline. Observed: 1 variant allele.
Comment: BP4, BP7

Blueprint Genetics
Classification: Likely benign. Last evaluated: 2024-08-13. Review status: criteria provided, single submitter. Criteria: ACMG Guidelines, 2015. Collection method: clinical testing. Allele origin: germline.

NM_001655.5(ARCN1):c.552C>T (p.Gly184=)

Gene: ARCN1 (archain 1 coat protein complex I subunit delta; plus strand). Cytogenetic location: 11q23.3.
Variant type: single nucleotide variant.
Coding change: c.552C>T on transcript NM_001655.5 (MANE Select); coding-DNA position 552, C replaced by T.
Protein change: p.Gly184=; no amino-acid change (glycine 184 retained).
Molecular consequence: synonymous variant.
Genome position (GRCh38, 1-based): chr11:118,583,913, C>T. VCF-style: chr11-118583913-C-T. GRCh37 (hg19) VCF-style: chr11-118454628-C-T.
Other names: p.Gly184=; c.288C>T, p.Gly96= (NM_001142281.2).
Identifiers: ClinVar variation 1592037 (VCV001592037.10), dbSNP rs151181680, ClinGen allele CA6306089.
Genomic context (GRCh38, chr11:118,583,913, plus strand): 5'-GGAATTACAACAGGCCCGAAGAGATGCAGAGAGACAGGGCAAAAAAGCACCAGGATTTGG[C>T]GGATTTGGCAGCTCTGCAGTATCTGGAGGCAGCACAGCTGCCATGATCACAGAGACCATC-3'
Protein context (NP_001646.2, residues 174-194): ERQGKKAPGF[Gly184=]GFGSSAVSGG